The following is an entry in ClinVar:

NM_001853.4(COL9A3):c.1422G>T (p.Leu474=)

Genes: COL9A3 (collagen type IX alpha 3 chain; plus strand), LOC126863084 (MED14-independent group 3 enhancer GRCh37_chr20:61467141-61468340; plus strand). Cytogenetic location: 20q13.33.
Variant type: single nucleotide variant.
Coding change: c.1422G>T on transcript NM_001853.4 (MANE Select); coding-DNA position 1422, G replaced by T.
Protein change: p.Leu474=; no amino-acid change (leucine 474 retained).
Molecular consequence: synonymous variant.
Genome position (GRCh38, 1-based): chr20:62,836,207, G>T. VCF-style: chr20-62836207-G-T. GRCh37 (hg19) VCF-style: chr20-61467559-G-T.
Identifiers: ClinVar variation 4991945 (VCV004991945.1).
Genomic context (GRCh38, chr20:62,836,207, plus strand): 5'-TGGGCTCGCCCCTGACCCACCTTCCTCTGTTCCTCTGCAGTCTGGCAGTCGAGGGGAGCT[G>T]GGCCCCAAAGGCACCCAGGGTCCCAACGGCACCAGCGGTGTTCAGGGTGTCCCCGGGCCC-3'
Protein context (NP_001844.3, residues 464-484): PKGESGSRGE[Leu474=]GPKGTQGPNG

ClinVar aggregate classification (germline): Likely benign (1 of 4 stars; one submission).

Conditions:
COL9A3-related disorder. Also called: COL9A3-related condition.

gnomAD v4.1: 34 of 1,613,360 alleles (0.0021%); highest among the groups gnomAD compares: Non-Finnish European, 0.0027%; no homozygotes.

Submission:

PreventionGenetics, part of Exact Sciences
Classification: Likely benign for COL9A3-related condition. Last evaluated: 2025-09-03. Review status: criteria provided, single submitter. Criteria: ACMG Guidelines, 2015. Collection method: clinical testing. Allele origin: germline.
Comment: This variant is classified as likely benign based on ACMG/AMP sequence variant interpretation guidelines (Richards et al. 2015 PMID: 25741868, with internal and published modifications).